The following is an entry in ClinVar:

ClinVar aggregate classification (germline): Uncertain significance. Review status: criteria provided, multiple submitters, no conflicts (2 of 4 stars). 2 submissions from 2 submitters: Uncertain significance (2). Last evaluated 2025-03-20.

Conditions:
Cardiovascular phenotype. Identifiers: MedGen CN230736.

gnomAD v4.1: 7 of 1,569,878 alleles (0.00045%); highest among the groups gnomAD compares: African/African-American, 0.0014%; no homozygotes.

Submissions (2):

GeneDx
Classification: Uncertain significance. Last evaluated: 2025-03-20. Review status: criteria provided, single submitter. Criteria: GeneDx Variant Classification Process June 2021. Collection method: clinical testing. Allele origin: germline. Affected: yes.
Comment: In silico analysis supports a deleterious effect on splicing; Has not been previously published as pathogenic or benign to our knowledge

Ambry Genetics
Classification: Uncertain significance for Cardiovascular phenotype. Last evaluated: 2024-05-10. Review status: criteria provided, single submitter. Criteria: Ambry Variant Classification Scheme 2023. Collection method: clinical testing. Allele origin: germline.
Comment: The c.774+3A>G intronic variant results from an A to G substitution 3 nucleotides after coding exon 8 in the TECRL gene. This nucleotide position is highly conserved in available vertebrate species. In silico splice site analysis predicts that this alteration will weaken the native splice donor site. Based on the available evidence, the clinical significance of this variant remains unclear.

NM_001010874.5(TECRL):c.774+3A>G

Gene: TECRL (trans-2,3-enoyl-CoA reductase like; minus strand). Cytogenetic location: 4q13.1.
Variant type: single nucleotide variant.
Coding change: c.774+3A>G on transcript NM_001010874.5 (MANE Select); 3 bases into the intron after coding-DNA position 774, A replaced by G.
Molecular consequence: intron variant.
Genome position (GRCh38, 1-based): chr4:64,299,971, T>C on the plus strand (A>G on the coding strand, the complement: TECRL is on the minus strand). VCF-style: chr4-64299971-T-C. GRCh37 (hg19) VCF-style: chr4-65165689-T-C.
Other names: c.774+3A>G (NM_001363796.1).
Identifiers: ClinVar variation 3325211 (VCV003325211.2).